The following is an entry in ClinVar:

NM_006206.6(PDGFRA):c.1531A>C (p.Asn511His)

Gene: PDGFRA (platelet derived growth factor receptor alpha; plus strand). Cytogenetic location: 4q12.
Variant type: single nucleotide variant.
Coding change: c.1531A>C on transcript NM_006206.6 (MANE Select); coding-DNA position 1531, A replaced by C.
Protein change: p.Asn511His; replaces asparagine 511 with histidine.
Molecular consequence: missense variant.
Genome position (GRCh38, 1-based): chr4:54,273,703, A>C. VCF-style: chr4-54273703-A-C. GRCh37 (hg19) VCF-style: chr4-55139870-A-C.
Other names: c.1531A>C, p.Asn511His (NM_001347827.2, NM_001347829.2); c.1606A>C, p.Asn536His (NM_001347828.2); c.1570A>C, p.Asn524His (NM_001347830.2); short protein forms N511H, N536H, N524H.
Identifiers: ClinVar variation 1354762 (VCV001354762.8), dbSNP rs2110293155, ClinGen allele CA356892755.

ClinVar aggregate classification (germline): Uncertain significance (1 of 4 stars; one submission).

Conditions:
Gastrointestinal stromal tumor. Also called: Gastrointestinal stroma tumor; Gastrointestinal stromal tumor, somatic. Identifiers: Orphanet 44890, MedGen C0238198, MeSH D046152, MONDO:0011719, OMIM 606764, HP:0100723.

Submission:

Labcorp Genetics (formerly Invitae), Labcorp
Classification: Uncertain significance for Gastrointestinal stromal tumor. Last evaluated: 2021-05-18. Review status: criteria provided, single submitter. Criteria: Invitae Variant Classification Sherloc (09022015). Collection method: clinical testing. Allele origin: germline.
Comment: Algorithms developed to predict the effect of missense changes on protein structure and function (SIFT, PolyPhen-2, Align-GVGD) all suggest that this variant is likely to be tolerated, but these predictions have not been confirmed by published functional studies and their clinical significance is uncertain. In summary, the available evidence is currently insufficient to determine the role of this variant in disease. Therefore, it has been classified as a Variant of Uncertain Significance. This sequence change replaces asparagine with histidine at codon 511 of the PDGFRA protein (p.Asn511His). The asparagine residue is weakly conserved and there is a small physicochemical difference between asparagine and histidine. This variant is not present in population databases (ExAC no frequency). This variant has not been reported in the literature in individuals with PDGFRA-related conditions.